The following is an entry in ClinVar:

NM_006563.5(KLF1):c.493G>T (p.Ala165Ser)

Genes: KLF1 (KLF transcription factor 1; minus strand), LOC130063673 (ATAC-STARR-seq lymphoblastoid silent region 10180; plus strand). Cytogenetic location: 19p13.13.
Variant type: single nucleotide variant.
Coding change: c.493G>T on transcript NM_006563.5 (MANE Select); coding-DNA position 493, G replaced by T.
Protein change: p.Ala165Ser; replaces alanine 165 with serine.
Molecular consequence: missense variant.
Genome position (GRCh38, 1-based): chr19:12,885,737, C>A on the plus strand (G>T on the coding strand, the complement: KLF1 is on the minus strand). VCF-style: chr19-12885737-C-A. GRCh37 (hg19) VCF-style: chr19-12996551-C-A.
Other names: c.493G>T (NM_006563.3); short protein forms A165S.
Identifiers: ClinVar variation 2797163 (VCV002797163.4), dbSNP rs1040963205, ClinGen allele CA305499547.

ClinVar aggregate classification (germline): Uncertain significance. Review status: criteria provided, multiple submitters, no conflicts (2 of 4 stars). 2 submissions from 2 submitters: Uncertain significance (2). Last evaluated 2025-09-25.

Conditions:
Inborn genetic diseases. Identifiers: MedGen C0950123, MeSH D030342.

gnomAD v4.1: 40 of 1,508,114 alleles (0.0027%); highest among the groups gnomAD compares: Non-Finnish European, 0.0033%; no homozygotes.

Submissions (2):

Ambry Genetics
Classification: Uncertain significance for Inborn genetic diseases. Last evaluated: 2025-09-25. Review status: criteria provided, single submitter. Criteria: Ambry Variant Classification Scheme 2023. Collection method: clinical testing. Allele origin: germline.

Labcorp Genetics (formerly Invitae), Labcorp
Classification: Uncertain significance. Last evaluated: 2025-03-25. Review status: criteria provided, single submitter. Criteria: Invitae Variant Classification Sherloc (09022015). Collection method: clinical testing. Allele origin: germline.
Comment: This sequence change replaces alanine, which is neutral and non-polar, with serine, which is neutral and polar, at codon 165 of the KLF1 protein (p.Ala165Ser). This variant is present in population databases (no rsID available, gnomAD 0.006%). This variant has not been reported in the literature in individuals affected with KLF1-related conditions. ClinVar contains an entry for this variant (Variation ID: 2797163). Invitae Evidence Modeling of protein sequence and biophysical properties (such as structural, functional, and spatial information, amino acid conservation, physicochemical variation, residue mobility, and thermodynamic stability) indicates that this missense variant is not expected to disrupt KLF1 protein function with a negative predictive value of 80%. In summary, the available evidence is currently insufficient to determine the role of this variant in disease. Therefore, it has been classified as a Variant of Uncertain Significance.